The following is an entry in ClinVar:

ClinVar aggregate classification (germline): Uncertain significance. Review status: reviewed by expert panel (3 of 4 stars). 2 submissions from 2 submitters: Uncertain significance (1). 1 of the submissions does not count toward it. Last evaluated 2021-01-25.

Conditions:
Phenylketonuria (PKU). Also called: Phenylketonuria (PKU); FOLLING DISEASE; OLIGOPHRENIA PHENYLPYRUVICA; Phenylketonurias. Identifiers: Orphanet 716, MedGen C0031485, MONDO:0009861, OMIM 261600. Disease mechanism: loss of function.

Submissions (2):

ClinGen PAH Variant Curation Expert Panel
Classification: Uncertain significance for Phenylketonuria. Last evaluated: 2021-01-25. Review status: reviewed by expert panel. Criteria: ClinGen PAH ACMG Specifications v1. Collection method: curation. Allele origin: germline. Inheritance: Autosomal recessive inheritance.
Comment: This c.743T>C (p.Leu248Pro) variant in PAH was reported in 1 patient with PAH deficiency (>600 μmol/L Phe, PMID: 8807319). Computational evidence for this missense variant is predicted to be damaging (SIFT), probably damaging (PolyPhen2), and disease-causing (MutationTaster). This variant is absent from population databases ExAC, gnomAD, 1000 Genomes, and ESP. In summary, this variant meets criteria to be classified as a variant of uncertain significance for PAH. PAH-specific ACMG/AMP criteria applied: PM2, PP3, PP4.

DeBelle Laboratory for Biochemical Genetics, MUHC/MCH RESEARCH INSTITUTE
No classification provided. Review status: no classification provided. Collection method: not provided. Allele origin: not provided. Not counted in ClinVar's aggregate classification.

NM_000277.3(PAH):c.743T>C (p.Leu248Pro)

Gene: PAH (phenylalanine hydroxylase; minus strand). Cytogenetic location: 12q23.2.
Variant type: single nucleotide variant.
Coding change: c.743T>C on transcript NM_000277.3 (MANE Select); coding-DNA position 743, T replaced by C.
Protein change: p.Leu248Pro; replaces leucine 248 with proline.
Molecular consequence: missense variant.
Genome position (GRCh38, 1-based): chr12:102,852,914, A>G on the plus strand (T>C on the coding strand, the complement: PAH is on the minus strand). VCF-style: chr12-102852914-A-G. GRCh37 (hg19) VCF-style: chr12-103246692-A-G.
Other names: NM_000277.2(PAH):c.743T>C; c.743T>C, p.Leu248Pro (NM_001354304.2); short protein forms L248P.
Identifiers: ClinVar variation 102819 (VCV000102819.2), dbSNP rs62507340, ClinGen allele CA229737.